The following is an entry in ClinVar:

ClinVar aggregate classification (germline): Uncertain significance (1 of 4 stars; one submission).

Conditions:
Primary ciliary dyskinesia. Also called: Ciliary dyskinesia. Identifiers: Orphanet 244, MedGen C0008780, MONDO:0016575, HP:0012265.

Submission:

Labcorp Genetics (formerly Invitae), Labcorp
Classification: Uncertain significance for Primary ciliary dyskinesia. Last evaluated: 2023-07-01. Review status: criteria provided, single submitter. Criteria: Invitae Variant Classification Sherloc (09022015). Collection method: clinical testing. Allele origin: germline.
Comment: This sequence change replaces lysine, which is basic and polar, with glutamic acid, which is acidic and polar, at codon 4015 of the DNAH8 protein (p.Lys4015Glu). This variant is not present in population databases (gnomAD no frequency). This variant has not been reported in the literature in individuals affected with DNAH8-related conditions. Advanced modeling of protein sequence and biophysical properties (such as structural, functional, and spatial information, amino acid conservation, physicochemical variation, residue mobility, and thermodynamic stability) performed at Invitae indicates that this missense variant is not expected to disrupt DNAH8 protein function. In summary, the available evidence is currently insufficient to determine the role of this variant in disease. Therefore, it has been classified as a Variant of Uncertain Significance.

NM_001206927.2(DNAH8):c.12043A>G (p.Lys4015Glu)

Genes: DNAH8 (dynein axonemal heavy chain 8; plus strand), DNAH8-AS1 (DNAH8 antisense RNA 1; minus strand). Cytogenetic location: 6p21.2.
Variant type: single nucleotide variant.
Coding change: c.12043A>G on transcript NM_001206927.2 (MANE Select); coding-DNA position 12043, A replaced by G.
Protein change: p.Lys4015Glu; replaces lysine 4015 with glutamic acid.
Molecular consequence: missense variant.
Genome position (GRCh38, 1-based): chr6:38,945,502, A>G. VCF-style: chr6-38945502-A-G. GRCh37 (hg19) VCF-style: chr6-38913278-A-G.
Other names: c.11392A>G, p.Lys3798Glu (NM_001371.4); short protein forms K4015E, K3798E.
Identifiers: ClinVar variation 2728829 (VCV002728829.3), dbSNP rs2533657095, ClinGen allele CA364022500.